The following is an entry in ClinVar:

NM_020812.4(DOCK6):c.2054A>C (p.Tyr685Ser)

Gene: DOCK6 (dedicator of cytokinesis 6; minus strand). Cytogenetic location: 19p13.2.
Variant type: single nucleotide variant.
Coding change: c.2054A>C on transcript NM_020812.4 (MANE Select); coding-DNA position 2054, A replaced by C.
Protein change: p.Tyr685Ser; replaces tyrosine 685 with serine.
Molecular consequence: missense variant.
Genome position (GRCh38, 1-based): chr19:11,237,475, T>G on the plus strand (A>C on the coding strand, the complement: DOCK6 is on the minus strand). VCF-style: chr19-11237475-T-G. GRCh37 (hg19) VCF-style: chr19-11348151-T-G.
Other names: c.2054A>C (NM_020812.2); c.2054A>C, p.Tyr685Ser (NM_001367830.1); short protein forms Y685S.
Identifiers: ClinVar variation 2002741 (VCV002002741.5), dbSNP rs1028682512, ClinGen allele CA305335262.

ClinVar aggregate classification (germline): Uncertain significance. Review status: criteria provided, multiple submitters, no conflicts (2 of 4 stars). 2 submissions from 2 submitters: Uncertain significance (2). Last evaluated 2025-04-08.

Conditions:
Inborn genetic diseases. Identifiers: MedGen C0950123, MeSH D030342.

gnomAD v4.1: 1 of 1,613,476 alleles (0.000062%); highest among the groups gnomAD compares: Admixed American, 0.0017%; no homozygotes.

Submissions (2):

Ambry Genetics
Classification: Uncertain significance for Inborn genetic diseases. Last evaluated: 2025-04-08. Review status: criteria provided, single submitter. Criteria: Ambry Variant Classification Scheme 2023. Collection method: clinical testing. Allele origin: germline.

Labcorp Genetics (formerly Invitae), Labcorp
Classification: Uncertain significance. Last evaluated: 2022-06-07. Review status: criteria provided, single submitter. Criteria: Invitae Variant Classification Sherloc (09022015). Collection method: clinical testing. Allele origin: germline.
Comment: This sequence change replaces tyrosine, which is neutral and polar, with serine, which is neutral and polar, at codon 685 of the DOCK6 protein (p.Tyr685Ser). This variant is not present in population databases (gnomAD no frequency). This variant has not been reported in the literature in individuals affected with DOCK6-related conditions. Algorithms developed to predict the effect of missense changes on protein structure and function are either unavailable or do not agree on the potential impact of this missense change (SIFT: "Deleterious"; PolyPhen-2: "Probably Damaging"; Align-GVGD: "Class C0"). In summary, the available evidence is currently insufficient to determine the role of this variant in disease. Therefore, it has been classified as a Variant of Uncertain Significance.